The following is an entry in ClinVar:

ClinVar aggregate classification (germline): Benign/Likely benign. Review status: criteria provided, multiple submitters, no conflicts (2 of 4 stars). 8 submissions from 8 submitters: Benign (5); Likely benign (1). 2 of the submissions do not count toward it. Last evaluated 2026-05-01.

Conditions:
KIFBP-related disorder. Also called: KIFBP-related condition.
Goldberg-Shprintzen syndrome. Identifiers: Orphanet 66629, MedGen C1836123, MONDO:0012280, OMIM 609460.

Allele frequency attached by ClinVar (database versions not stated): gnomAD exomes 0.00068 and 0.00178; ExAC 0.00214; 1000 Genomes Project 30x 0.00609; gnomAD 0.00610 and 0.00669; 1000 Genomes Project 0.00619; TOPMed 0.00705; ESP Exome Variant Server 0.00730.

Submissions (10):

CeGaT Center for Human Genetics Tuebingen
Classification: Benign. Last evaluated: 2026-05-01. Review status: criteria provided, single submitter. Criteria: CeGaT Center For Human Genetics Tuebingen Variant Classification Criteria Version 2. Collection method: clinical testing. Allele origin: germline. Affected: yes. Observed: 7 variant alleles.
Comment: KIFBP: BS1, BS2

Labcorp Genetics (formerly Invitae), Labcorp
Classification: Benign. Last evaluated: 2025-12-26. Review status: criteria provided, single submitter. Criteria: Invitae Variant Classification Sherloc (09022015). Collection method: clinical testing. Allele origin: germline.

Fulgent Genetics
Classification: Likely benign for Goldberg-Shprintzen syndrome. Last evaluated: 2021-08-12. Review status: criteria provided, single submitter. Criteria: ACMG Guidelines, 2015. Collection method: clinical testing. Allele origin: unknown.

Illumina Laboratory Services, Illumina
Classification: Benign for Goldberg-Shprintzen syndrome. Last evaluated: 2018-01-12. Review status: criteria provided, single submitter. Criteria: ICSL Variant Classification Criteria 13 December 2019. Collection method: clinical testing. Allele origin: germline.
Comment: This variant was observed in the ICSL laboratory as part of a predisposition screen in an ostensibly healthy population. It had not been previously curated by ICSL or reported in the Human Gene Mutation Database (HGMD: prior to June 1st, 2018), and was therefore a candidate for classification through an automated scoring system. Utilizing variant allele frequency, disease prevalence and penetrance estimates, and inheritance mode, an automated score was calculated to assess if this variant is too frequent to cause the disease. Based on the score and internal cut-off values, a variant classified as benign is not then subjected to further curation. The score for this variant resulted in a classification of benign for this disease.

GeneDx
Classification: Benign. Last evaluated: 2017-12-04. Review status: criteria provided, single submitter. Criteria: GeneDx Variant Classification (06012015). Collection method: clinical testing. Allele origin: germline. Affected: yes.
Comment: This variant is considered likely benign or benign based on one or more of the following criteria: it is a conservative change, it occurs at a poorly conserved position in the protein, it is predicted to be benign by multiple in silico algorithms, and/or has population frequency not consistent with disease.

Genetic Services Laboratory, University of Chicago
Classification: Benign. Last evaluated: 2016-05-17. Review status: criteria provided, single submitter. Criteria: ACMG Guidelines, 2015. Collection method: clinical testing. Allele origin: germline. Affected: no.

PreventionGenetics, part of Exact Sciences
Classification: Benign for KIFBP-related condition. Last evaluated: 2019-12-26. Review status: no assertion criteria provided. Collection method: clinical testing. Allele origin: germline. Not counted in ClinVar's aggregate classification.
Comment: This variant is classified as benign based on ACMG/AMP sequence variant interpretation guidelines (Richards et al. 2015 PMID: 25741868, with internal and published modifications).

Clinical Genetics, Erasmus University Medical Center
Classification: Uncertain significance for Goldberg-Shprintzen Syndrome. Last evaluated: 2019-05-16. Review status: no assertion criteria provided. Collection method: clinical testing. Allele origin: germline. Affected: no. Not counted in ClinVar's aggregate classification.

Dr. Peter K. Rogan Lab, Western University
No classification provided (evidence only). Condition: Uterine corpus endometrial carcinoma. Review status: no classification provided. Collection method: in vitro. Allele origin: not applicable. Functional consequence: retained intron. Not counted in ClinVar's aggregate classification.

Dr. Peter K. Rogan Lab, Western University
No classification provided (evidence only). Condition: Uterine corpus endometrial carcinoma. Review status: no classification provided. Collection method: in vitro. Allele origin: not applicable. Functional consequence: retained intron. Not counted in ClinVar's aggregate classification.

NM_015634.4(KIFBP):c.68A>G (p.Glu23Gly)

Genes: KIFBP (kinesin family binding protein; plus strand), LOC130003959 (ATAC-STARR-seq lymphoblastoid active region 3474; plus strand). Cytogenetic location: 10q22.1.
Variant type: single nucleotide variant.
Coding change: c.68A>G on transcript NM_015634.4 (MANE Select); coding-DNA position 68, A replaced by G.
Protein change: p.Glu23Gly; replaces glutamic acid 23 with glycine.
Molecular consequence: missense variant.
Genome position (GRCh38, 1-based): chr10:68,988,900, A>G. VCF-style: chr10-68988900-A-G. GRCh37 (hg19) VCF-style: chr10-70748656-A-G.
Other names: short protein forms E23G.
Identifiers: ClinVar variation 158698 (VCV000158698.48), dbSNP rs148768851, ClinGen allele CA172377.